The following is an entry in ClinVar:

NM_001080395.3(LMTK1):c.3573G>A (p.Ala1191=)

Gene: LMTK1 (lemur tail kinase 1; minus strand). Cytogenetic location: 17q25.3.
Variant type: single nucleotide variant.
Coding change: c.3573G>A on transcript NM_001080395.3 (MANE Select); coding-DNA position 3573, G replaced by A.
Protein change: p.Ala1191=; no amino-acid change (alanine 1191 retained).
Molecular consequence: synonymous variant.
Genome position (GRCh38, 1-based): chr17:81,120,363, C>T on the plus strand (G>A on the coding strand, the complement: LMTK1 is on the minus strand). VCF-style: chr17-81120363-C-T. GRCh37 (hg19) VCF-style: chr17-79094163-C-T.
Other names: c.3264G>A, p.Ala1088= (NM_004920.3).
Identifiers: ClinVar variation 3257590 (VCV003257590.17).
Genomic context (GRCh38, chr17:81,120,363, plus strand): 5'-GAGCAGGCTGCGCAGGTTGCGCGCGCTCTGGCTCTCAGCCACCACCACGGGCACCGCCGG[C>T]GCCTCCTCTTCGCTGTCCTCGCTAGGCTCCTGGACGCTGTAGCAGCGGAGCTCCTCGTCA-3'
Protein context (NP_001073864.2, residues 1181-1201): QEPSEDSEEE[Ala1191=]PAVPVVVAES

ClinVar aggregate classification (germline): Likely benign (1 of 4 stars; one submission).

Submission:

CeGaT Center for Human Genetics Tuebingen
Classification: Likely benign. Last evaluated: 2024-07-01. Review status: criteria provided, single submitter. Criteria: CeGaT Center For Human Genetics Tuebingen Variant Classification Criteria Version 2. Collection method: clinical testing. Allele origin: germline. Affected: yes. Observed: 1 variant allele.
Comment: AATK: BP4, BP7